The following is an entry in ClinVar:

ClinVar aggregate classification (germline): Likely benign (0 of 4 stars; one submission).

Conditions:
NRP1-related disorder. Also called: NRP1-related condition.

Submission:

PreventionGenetics, part of Exact Sciences
Classification: Likely benign for NRP1-related condition. Last evaluated: 2024-01-04. Review status: no assertion criteria provided. Collection method: clinical testing. Allele origin: germline.
Comment: This variant is classified as likely benign based on ACMG/AMP sequence variant interpretation guidelines (Richards et al. 2015 PMID: 25741868, with internal and published modifications).

NM_003873.7(NRP1):c.431-5C>A

Genes: NRP1 (neuropilin 1; minus strand), LOC126860910 (P300/CBP strongly-dependent group 1 enhancer GRCh37_chr10:33552654-33553853; plus strand). Cytogenetic location: 10p11.22.
Variant type: single nucleotide variant.
Coding change: c.431-5C>A on transcript NM_003873.7 (MANE Select); 5 bases into the intron before coding-DNA position 431, C replaced by A.
Molecular consequence: intron variant.
Genome position (GRCh38, 1-based): chr10:33,263,878, G>T on the plus strand (C>A on the coding strand, the complement: NRP1 is on the minus strand). VCF-style: chr10-33263878-G-T. GRCh37 (hg19) VCF-style: chr10-33552806-G-T.
Other names: c.431-5C>A (NM_001244973.2, NM_001244972.2, NM_001330068.2 and 2 more transcripts).
Identifiers: ClinVar variation 3356801 (VCV003356801.1).
Genomic context (GRCh38, chr10:33,263,878, plus strand): 5'-TCCGGGGGACTTTATCACTCCACTAGGTGTTGTGTAGTTCTGGGAACATTCAGGACCTAT[G>T]AGTAGAAGAGAAAAAGGAGTAAAGTGAAAATCCCACTTAAACAACTTCCCCAAGAAATAA-3'